The following is an entry in ClinVar:

NM_001130965.3(SUN1):c.550T>G (p.Ser184Ala)

Gene: SUN1 (Sad1 and UNC84 domain containing 1; plus strand). Cytogenetic location: 7p22.3.
Variant type: single nucleotide variant.
Coding change: c.550T>G on transcript NM_001130965.3 (MANE Select); coding-DNA position 550, T replaced by G.
Protein change: p.Ser184Ala; replaces serine 184 with alanine.
Molecular consequence: missense variant. On other transcripts: synonymous variant (1), 5 prime UTR variant (3), non-coding transcript variant (3), intron variant (1).
Genome position (GRCh38, 1-based): chr7:843,412, T>G. VCF-style: chr7-843412-T-G. GRCh37 (hg19) VCF-style: chr7-883049-T-G.
Other names: c.400T>G, p.Ser134Ala (NM_001367680.1, NM_001367681.1, NM_001367684.1 and 23 more transcripts); c.550T>G, p.Ser184Ala (NM_001367682.1, NM_001367683.1, NM_001367685.1 and 32 more transcripts); c.613T>G, p.Ser205Ala (NM_001171945.2); c.93T>G, p.Ser31= (NM_001367635.1); c.-18T>G (NM_001367639.1, NM_001367708.1); c.769T>G, p.Ser257Ala (NM_001367651.1); c.-212T>G (NM_001367658.1); c.577T>G, p.Ser193Ala (NM_001367669.1); and 2 more; short protein forms S193A, S257A, S184A, S121A, S134A, S205A.
Identifiers: ClinVar variation 4720529 (VCV004720529.1).

ClinVar aggregate classification (germline): Uncertain significance (1 of 4 stars; one submission).

Conditions:
Emery-Dreifuss muscular dystrophy (EDMD). Also called: Scapuloperoneal syndrome, X-linked (formerly); Humeroperoneal neuromuscular disease, (formerly). Identifiers: Orphanet 261, MedGen C0410189, MONDO:0016830.

Submission:

Labcorp Genetics (formerly Invitae), Labcorp
Classification: Uncertain significance for Emery-Dreifuss muscular dystrophy. Last evaluated: 2025-06-11. Review status: criteria provided, single submitter. Criteria: Invitae Variant Classification Sherloc (09022015). Collection method: clinical testing. Allele origin: germline.
Comment: This sequence change replaces serine, which is neutral and polar, with alanine, which is neutral and non-polar, at codon 184 of the SUN1 protein (p.Ser184Ala). This variant is not present in population databases (gnomAD no frequency). This variant has not been reported in the literature in individuals affected with SUN1-related conditions. An algorithm developed to predict the effect of missense changes on protein structure and function (PolyPhen-2) suggests that this variant is likely to be tolerated. In summary, the available evidence is currently insufficient to determine the role of this variant in disease. Therefore, it has been classified as a Variant of Uncertain Significance.